The following is an entry in ClinVar:

NM_001291303.3(FAT4):c.7725G>C (p.Thr2575=)

Gene: FAT4 (FAT atypical cadherin 4; plus strand). Cytogenetic location: 4q28.1.
Variant type: single nucleotide variant.
Coding change: c.7725G>C on transcript NM_001291303.3 (MANE Select); coding-DNA position 7725, G replaced by C.
Protein change: p.Thr2575=; no amino-acid change (threonine 2575 retained).
Molecular consequence: synonymous variant.
Genome position (GRCh38, 1-based): chr4:125,448,735, G>C. VCF-style: chr4-125448735-G-C. GRCh37 (hg19) VCF-style: chr4-126369890-G-C.
Other names: c.7725G>C, p.Thr2575= (NM_001291285.3); c.7719G>C, p.Thr2573= (NM_024582.6).
Identifiers: ClinVar variation 2077926 (VCV002077926.26), dbSNP rs140288688, ClinGen allele CA3073245.
Genomic context (GRCh38, chr4:125,448,735, plus strand): 5'-AGTGACTGTTAGATTCGTGAATAAGGCCGATTTCCCTAAAGTGAGAGCCAAAGAACAAAC[G>C]TTCATGTTTCCTGAAAACCAACCAGTCAGCTCTCTTGTCACCACCATCACAGGATCCTCT-3'
Protein context (NP_001278232.1, residues 2565-2585): DFPKVRAKEQ[Thr2575=]FMFPENQPVS

ClinVar aggregate classification (germline): Likely benign. Review status: criteria provided, multiple submitters, no conflicts (2 of 4 stars). 2 submissions from 2 submitters: Likely benign (2). Last evaluated 2025-12-23.

Allele frequency attached by ClinVar (database versions not stated): ExAC 0.00008; 1000 Genomes Project 30x 0.00016; 1000 Genomes Project 0.00020; ESP Exome Variant Server 0.00054.
gnomAD v4.1: 68 of 1,613,538 alleles (0.0042%); highest among the groups gnomAD compares: African/African-American, 0.083%; no homozygotes.

Submissions (2):

Labcorp Genetics (formerly Invitae), Labcorp
Classification: Likely benign. Last evaluated: 2025-12-23. Review status: criteria provided, single submitter. Criteria: Invitae Variant Classification Sherloc (09022015). Collection method: clinical testing. Allele origin: germline.

CeGaT Center for Human Genetics Tuebingen
Classification: Likely benign. Last evaluated: 2024-02-01. Review status: criteria provided, single submitter. Criteria: CeGaT Center For Human Genetics Tuebingen Variant Classification Criteria Version 2. Collection method: clinical testing. Allele origin: germline. Affected: yes. Observed: 1 variant allele.
Comment: FAT4: BP4, BP7